The following is an entry in ClinVar:

ClinVar aggregate classification (germline): Uncertain significance (1 of 4 stars; one submission).

gnomAD v4.1: 1 of 1,611,590 alleles (0.000062%); no homozygotes.

Submission:

GeneDx
Classification: Uncertain significance. Last evaluated: 2019-05-06. Review status: criteria provided, single submitter. Criteria: GeneDx Variant Classification Process June 2021. Collection method: clinical testing. Allele origin: germline. Affected: yes.
Comment: Not observed in large population cohorts (Lek et al., 2016); Canonical splice site variant predicted to result in an in-frame deletion of exon 38.; Has not been previously published as pathogenic or benign to our knowledge

NM_020964.3(EPG5):c.6621+1G>A

Gene: EPG5 (ectopic P-granules 5 autophagy tethering factor; minus strand). Cytogenetic location: 18q12.3.
Variant type: single nucleotide variant.
Coding change: c.6621+1G>A on transcript NM_020964.3 (MANE Select); the canonical splice donor site of the intron after coding-DNA position 6621, G replaced by A.
Molecular consequence: splice donor variant.
Genome position (GRCh38, 1-based): chr18:45,866,797, C>T on the plus strand (G>A on the coding strand, the complement: EPG5 is on the minus strand). VCF-style: chr18-45866797-C-T. GRCh37 (hg19) VCF-style: chr18-43446762-C-T.
Other names: c.6621+1G>A (NM_001410858.1); c.6618+1G>A (NM_001410859.1).
Identifiers: ClinVar variation 1305775 (VCV001305775.2), dbSNP rs2048757326, ClinGen allele CA402338825.